The following is an entry in ClinVar:

ClinVar aggregate classification (germline): Uncertain significance (1 of 4 stars; one submission).

gnomAD v4.1: 11 of 1,613,626 alleles (0.00068%); highest among the groups gnomAD compares: South Asian, 0.0044%; no homozygotes.

Submission:

Labcorp Genetics (formerly Invitae), Labcorp
Classification: Uncertain significance. Last evaluated: 2024-05-23. Review status: criteria provided, single submitter. Criteria: Invitae Variant Classification Sherloc (09022015). Collection method: clinical testing. Allele origin: germline.
Comment: This sequence change affects codon 1685 of the SPEG mRNA. It is a 'silent' change, meaning that it does not change the encoded amino acid sequence of the SPEG protein. This variant is present in population databases (rs151167400, gnomAD 0.003%). This variant has not been reported in the literature in individuals affected with SPEG-related conditions. Algorithms developed to predict the effect of sequence changes on RNA splicing suggest that this variant may disrupt the consensus splice site. In summary, the available evidence is currently insufficient to determine the role of this variant in disease. Therefore, it has been classified as a Variant of Uncertain Significance.

NM_005876.5(SPEG):c.5055C>A (p.Ile1685=)

Gene: SPEG (striated muscle enriched protein kinase; plus strand). Cytogenetic location: 2q35.
Variant type: single nucleotide variant.
Coding change: c.5055C>A on transcript NM_005876.5 (MANE Select); coding-DNA position 5055, C replaced by A.
Protein change: p.Ile1685=; no amino-acid change (isoleucine 1685 retained).
Molecular consequence: synonymous variant.
Genome position (GRCh38, 1-based): chr2:219,479,171, C>A. VCF-style: chr2-219479171-C-A. GRCh37 (hg19) VCF-style: chr2-220343893-C-A.
Identifiers: ClinVar variation 3623043 (VCV003623043.2).